The following is an entry in ClinVar:

ClinVar aggregate classification (germline): Pathogenic. Review status: criteria provided, multiple submitters, no conflicts (2 of 4 stars). 2 submissions from 2 submitters: Pathogenic (2). Last evaluated 2025-11-14.

Conditions:
Intellectual developmental disorder, autosomal dominant 56. Also called: Intellectual disability, autosomal dominant 56; MENTAL RETARDATION, AUTOSOMAL DOMINANT 56. Identifiers: MedGen C4693389, MONDO:0030922, OMIM 617854.

Submissions (2):

Variantyx, Inc.
Classification: Pathogenic for Intellectual developmental disorder, autosomal dominant 56. Last evaluated: 2025-11-14. Review status: criteria provided, single submitter. Criteria: Variantyx Assertion Criteria 2022. Collection method: clinical testing. Allele origin: de novo. Inheritance: Autosomal dominant inheritance. Affected: yes.
Comment: This is a frameshift variant in the CLTC gene (OMIM: 118955). Pathogenic variants in this gene have been associated with autosomal dominant intellectual developmental disorder 56. The alteration introduces a premature termination codon in exon 30 out of 32 and is expected to result in loss of function, which is a known disease mechanism for CLTC in this disorder (PMID:31776469) (PVS1). This variant is absent from control populations (PM2). Based on the current evidence, this variant is classified as pathogenic for autosomal dominant intellectual developmental disorder 56.

Labcorp Genetics (formerly Invitae), Labcorp
Classification: Pathogenic. Last evaluated: 2023-11-13. Review status: criteria provided, single submitter. Criteria: Invitae Variant Classification Sherloc (09022015). Collection method: clinical testing. Allele origin: germline.
Comment: This sequence change creates a premature translational stop signal (p.Tyr1602Ilefs*6) in the CLTC gene. It is expected to result in an absent or disrupted protein product. Loss-of-function variants in CLTC are known to be pathogenic (PMID: 29100083). This variant is not present in population databases (gnomAD no frequency). This variant has not been reported in the literature in individuals affected with CLTC-related conditions. For these reasons, this variant has been classified as Pathogenic.

Literature cited by the submitters: PubMed 31776469 (cited by Variantyx, Inc.); PubMed 29100083 (cited by Labcorp Genetics (formerly Invitae), Labcorp).

NM_004859.4(CLTC):c.4791del (p.Tyr1598fs)

Gene: CLTC (clathrin heavy chain; plus strand). Cytogenetic location: 17q23.1.
Variant type: Deletion.
Coding change: c.4791del on transcript NM_004859.4 (MANE Select); coding-DNA position 4791, one base deleted (C; older notation c.4791delC).
Protein change: p.Tyr1598fs; shifts the reading frame from tyrosine 1598.
Molecular consequence: frameshift variant.
Genome position (GRCh38, 1-based): chr17:59,685,772, C deleted; the last of 3 consecutive C bases (chr17:59,685,770-59,685,772); deleting any one gives the same sequence. VCF-style (leftmost placement, unchanged base first): chr17-59685769-GC-G. GRCh37 (hg19) VCF-style: chr17-57763130-GC-G.
Other names: c.4803del, p.Tyr1602fs (NM_001288653.2); short protein forms Y1602fs, Y1598fs.
Identifiers: ClinVar variation 2693304 (VCV002693304.4), dbSNP rs2509158820, ClinGen allele CA2697560129.